The following is an entry in ClinVar:

ClinVar aggregate classification (germline): Likely pathogenic (1 of 4 stars; one submission).

Conditions:
Bartter disease type 3. Also called: Bartter syndrome type 3. Identifiers: Orphanet 112, Orphanet 93605, MedGen C1846343, MONDO:0011822, OMIM 607364.

Submission:

Variantyx, Inc.
Classification: Likely pathogenic for Bartter disease type 3. Last evaluated: 2025-08-26. Review status: criteria provided, single submitter. Criteria: Variantyx Assertion Criteria 2022. Collection method: clinical testing. Allele origin: maternal. Inheritance: Autosomal recessive inheritance.
Comment: Pathogenic variants in this gene have been associated with autosomal recessive Bartter syndrome, type 3. The clinical symptoms reported for this individual are highly specific for autosomal recessive Bartter syndrome, type 3, which has a limited genetic etiology (PMID: 28723048) (PP4). An alternate amino acid change at this position p.Gly167Val has been previously reported in affected individuals (PMID: 32256370) (PM5). Multiple computational algorithms predict a deleterious effect for this variant (REVEL score: 0.914) (PP3_Moderate). This variant is absent from control populations (PM2_Supporting). Based on the current evidence, this variant is classified as likely pathogenic for autosomal recessive Bartter syndrome, type 3.

Literature cited by the submitters: PubMed 28723048; PubMed 32256370.

NM_000085.5(CLCNKB):c.499G>T (p.Gly167Cys)

Genes: CLCNKB (chloride voltage-gated channel Kb; plus strand), LOC106501713 (CLCNKB recombination region; plus strand). Cytogenetic location: 1p36.13.
Variant type: single nucleotide variant.
Coding change: c.499G>T on transcript NM_000085.5 (MANE Select); coding-DNA position 499, G replaced by T.
Protein change: p.Gly167Cys; replaces glycine 167 with cysteine.
Molecular consequence: missense variant.
Genome position (GRCh38, 1-based): chr1:16,048,343, G>T. VCF-style: chr1-16048343-G-T. GRCh37 (hg19) VCF-style: chr1-16374838-G-T.
Other names: short protein forms G167C.
Identifiers: ClinVar variation 4850142 (VCV004850142.1).